The following is an entry in ClinVar:

ClinVar aggregate classification (germline): Likely pathogenic (1 of 4 stars; one submission).

Conditions:
Developmental and epileptic encephalopathy, 23 (DEE23). Also called: Epileptic encephalopathy, early infantile, 23. Identifiers: Orphanet 411986, MedGen C4014492, MONDO:0014371, OMIM 615859.

Submission:

Laboratorio de Genetica e Diagnostico Molecular, Hospital Israelita Albert Einstein
Classification: Likely pathogenic for Developmental and epileptic encephalopathy, 23. Last evaluated: 2025-03-22. Review status: criteria provided, single submitter. Criteria: ACMG Guidelines, 2015. Collection method: clinical testing. Allele origin: germline. Affected: yes.
Comment: ACMG classification criteria: PVS1 very strong, PM2 supporting

NM_001367561.1(DOCK7):c.4968dup (p.Val1657fs)

Gene: DOCK7 (dedicator of cytokinesis 7; minus strand). Cytogenetic location: 1p31.3.
Variant type: Duplication.
Coding change: c.4968dup on transcript NM_001367561.1 (MANE Select); coding-DNA position 4968, one base duplicated (T; older notation c.4968dupT).
Protein change: p.Val1657fs; shifts the reading frame from valine 1657.
Molecular consequence: frameshift variant.
Genome position (GRCh38, 1-based): chr1:62,495,637, A duplicated on the plus strand (T on the coding strand, the reverse complement: DOCK7 is on the minus strand). VCF-style (leftmost placement, unchanged base first): chr1-62495636-C-CA. GRCh37 (hg19) VCF-style: chr1-62961307-C-CA.
Other names: c.4941dup, p.Val1648fs (NM_001271999.2, NM_001330614.2); c.4848dup, p.Val1617fs (NM_001272000.2, NM_001272001.2); c.4875dup, p.Val1626fs (NM_033407.4); short protein forms V1617fs, V1626fs, V1648fs, V1657fs.
Identifiers: ClinVar variation 3901962 (VCV003901962.1).
Genomic context (GRCh38, chr1:62,495,636, plus strand): 5'-GCTACCTGTACATTAGATCAATCAACATTTCAGGATCCTCCTGGTGTTCCTTCATTTTCA[C>CA]AGTATCAGAAAGAATCATATGGAGATTGAAAACCAGATCCTGGACCTGCAGCAGAGAATT-3'